The following is an entry in ClinVar:

ClinVar aggregate classification (germline): Likely pathogenic (1 of 4 stars; one submission).

Conditions:
Mucopolysaccharidosis, MPS-II (MPS2). Also called: Hunter Syndrome; IDURONATE 2-SULFATASE DEFICIENCY; Mucopolysaccharidosis Type II; Mucopolysaccharidosis type 2; Attenuated MPS (subtype; formerly known as mild MPS II); Severe MPS II. Identifiers: Orphanet 580, Orphanet 79388, MedGen C0026705, MONDO:0010674, OMIM 309900.

Submission:

Laboratory of Diagnosis and Therapy of Lysosomal Disorders, University of Padova
Classification: Likely pathogenic for Mucopolysaccharidosis, MPS-II. Last evaluated: 2024-06-07. Review status: criteria provided, single submitter. Criteria: ACMG Guidelines, 2015. Collection method: literature only. Allele origin: germline. Affected: yes. Observed: 3 variant alleles.
Comment: Absent from controls (or at low frequency) in gnomAD database (PM2_Moderate), Missense variant in a gene with a low rate of benign missense variation (PP2_Supporting), Multiple lines of computational evidence support a deleterious effect (PP3_Supporting), Patient’s phenotype or family history highly specific for the disease (PP4_Strong)

Classification method: ACMG Guidelines [PMID:25741868] with modifications

Literature cited by the submitters: PubMed 7887413; PubMed 16495038; PubMed 9442913.

NM_000202.8(IDS):c.1073C>G (p.Pro358Arg)

Genes: IDS (iduronate 2-sulfatase; minus strand), LOC106050102 (IDS recombination region; plus strand). Cytogenetic location: Xq28.
Variant type: single nucleotide variant.
Coding change: c.1073C>G on transcript NM_000202.8 (MANE Select); coding-DNA position 1073, C replaced by G.
Protein change: p.Pro358Arg; replaces proline 358 with arginine.
Molecular consequence: missense variant.
Genome position (GRCh38, 1-based): chrX:149,487,032, G>C on the plus strand (C>G on the coding strand, the complement: IDS is on the minus strand). VCF-style: chrX-149487032-G-C. GRCh37 (hg19) VCF-style: chrX-148568563-G-C.
Other names: c.803C>G, p.Pro268Arg (NM_001166550.4); short protein forms P268R, P358R.
Identifiers: ClinVar variation 3255958 (VCV003255958.2).
Genomic context (GRCh38, chrX:149,487,032, plus strand): 5'-AAAAGCTTCTCGCCTGCCTCCGGAAGTGAAGCCGTCCTTCCAGGAACATAGAATATCAGG[G>C]GAACATGGGTAGCAACATCAAAATTGCTGTATTTGGCCCATTCTCCATGTTCACCTAGAG-3'
Protein context (NP_000193.1, residues 348-368): YSNFDVATHV[Pro358Arg]LIFYVPGRTA